The following is an entry in ClinVar:

ClinVar aggregate classification (germline): Pathogenic (1 of 4 stars; one submission).

Conditions:
Phenylketonuria (PKU). Also called: OLIGOPHRENIA PHENYLPYRUVICA; Phenylketonuria (PKU); Phenylketonurias; FOLLING DISEASE. Identifiers: Orphanet 716, MedGen C0031485, MONDO:0009861, OMIM 261600. Disease mechanism: loss of function.

Submission:

Labcorp Genetics (formerly Invitae), Labcorp
Classification: Pathogenic for Phenylketonuria. Last evaluated: 2019-05-07. Review status: criteria provided, single submitter. Criteria: Invitae Variant Classification Sherloc (09022015). Collection method: clinical testing. Allele origin: germline.
Comment: For these reasons, this variant has been classified as Pathogenic. Loss-of-function variants in PAH are known to be pathogenic (PMID: 1301187, 9634518). This variant has not been reported in the literature in individuals with PAH-related conditions. This variant is not present in population databases (ExAC no frequency). This sequence change creates a premature translational stop signal (p.Glu183*) in the PAH gene. It is expected to result in an absent or disrupted protein product.

Literature cited by the submitters: PubMed 1301187; PubMed 9634518.

NM_000277.3(PAH):c.547G>T (p.Glu183Ter)

Gene: PAH (phenylalanine hydroxylase; minus strand). Cytogenetic location: 12q23.2.
Variant type: single nucleotide variant.
Coding change: c.547G>T on transcript NM_000277.3 (MANE Select); coding-DNA position 547, G replaced by T.
Protein change: p.Glu183Ter; replaces glutamic acid 183 with a stop codon.
Molecular consequence: nonsense.
Genome position (GRCh38, 1-based): chr12:102,855,295, C>A on the plus strand (G>T on the coding strand, the complement: PAH is on the minus strand). VCF-style: chr12-102855295-C-A. GRCh37 (hg19) VCF-style: chr12-103249073-C-A.
Other names: c.547G>T, p.Glu183Ter (NM_001354304.2); short protein forms E183*.
Identifiers: ClinVar variation 951833 (VCV000951833.7), dbSNP rs199475664, ClinGen allele CA386296920.